The following is an entry in ClinVar:

NM_000091.5(COL4A3):c.3215del (p.Asp1072fs)

Genes: MFF-DT (MFF divergent transcript; minus strand), COL4A3 (collagen type IV alpha 3 chain; plus strand). Cytogenetic location: 2q36.3.
Variant type: Deletion.
Coding change: c.3215del on transcript NM_000091.5 (MANE Select); coding-DNA position 3215, one base deleted (A; older notation c.3215delA).
Protein change: p.Asp1072fs; shifts the reading frame from aspartic acid 1072.
Molecular consequence: frameshift variant.
Genome position (GRCh38, 1-based): chr2:227,293,195, A deleted. VCF-style (leftmost placement, unchanged base first): chr2-227293194-GA-G. GRCh37 (hg19) VCF-style: chr2-228157910-GA-G.
Other names: short protein forms D1072fs.
Identifiers: ClinVar variation 5012527 (VCV005012527.1).
Genomic context (GRCh38, chr2:227,293,194, plus strand): 5'-TTCTTACCACATATCCTGCTTATATGAGAATTTTAAAGGTATTTGACTACATTTAAGGGG[GA>G]TCCAGGACTGCCGGGTGATATGGGAAAGAAAGGAGAAATGGGGCAACCTGGCCCACCTGG-3'

ClinVar aggregate classification (germline): Pathogenic (1 of 4 stars; one submission).

Conditions:
Alport syndrome. Also called: Hemorrhagic familial nephritis; Hemorrhagic hereditary nephritis; Congenital hereditary hematuria. Identifiers: Orphanet 63, MedGen C1567741, MONDO:0018965.

Submission:

Myriad Genetics, Inc.
Classification: Pathogenic for Alport syndrome. Last evaluated: 2023-12-02. Review status: criteria provided, single submitter. Criteria: Myriad Autosomal Dominant, Autosomal Recessive and X-Linked Classification Criteria (2023). Collection method: clinical testing. Allele origin: unknown.
Comment: NM_000091.4(COL4A3):c.3215delA(D1072Vfs*82) is expected to be pathogenic in the context of Alport syndrome, COL4A3-related. This variant is predicted to lead to an abnormal or absent protein product due to the creation of a premature termination codon in COL4A3, a gene where loss-of-function variants are known to be pathogenic. Please note: this variant was assessed in the context of healthy population screening.